The following is an entry in ClinVar:

NC_000004.11:g.107169414_(107183370_107216250)del

Gene: TBCK (TBC1 domain containing kinase; minus strand).
Variant type: Deletion.
Identifiers: ClinVar variation 3233843 (VCV003233843.2).

ClinVar aggregate classification (germline): Likely pathogenic (1 of 4 stars; one submission).

Conditions:
Hypotonia, infantile, with psychomotor retardation and characteristic facies 3 (IHPRF3). Also called: TBCK-Related Neurodevelopmental Disorder. Identifiers: Orphanet 488632, MedGen C5567480, MONDO:0014823, OMIM 616900.

Submission:

Women's Health and Genetics/Laboratory Corporation of America, LabCorp
Classification: Likely pathogenic for Hypotonia, infantile, with psychomotor retardation and characteristic facies 3. Last evaluated: 2024-03-20. Review status: criteria provided, single submitter. Criteria: LabCorp Variant Classification Summary - May 2015. Collection method: clinical testing. Allele origin: germline.
Comment: Variant summary: The variant involves the deletion of exons 4 through a partial deletion of exon 9 in the TBCK gene. A presumed nomenclature of c.(266+1_267-1)_770del has been designated for the purposes of this classification. This CNV spans a canonical splice-site and therefore predicted to result in loss-of-function. The variant was absent in 20904 control chromosomes in the gnomAD database (Structural Variants v2.1 dataset). To our knowledge, no occurrence of c.(266+1_267-1)_770del in individuals affected with Hypotonia, Infantile, With Psychomotor Retardation And Characteristic Facies 3 and no experimental evidence demonstrating its impact on protein function have been reported. No submitters have cited clinical-significance assessments for this variant to ClinVar. Based on the evidence outlined above, the variant was classified as likely pathogenic.